The following is an entry in ClinVar:

NM_152281.3(GORAB):c.358A>G (p.Asn120Asp)

Gene: GORAB (golgin, RAB6 interacting; plus strand). Cytogenetic location: 1q24.2.
Variant type: single nucleotide variant.
Coding change: c.358A>G on transcript NM_152281.3 (MANE Select); coding-DNA position 358, A replaced by G.
Protein change: p.Asn120Asp; replaces asparagine 120 with aspartic acid.
Molecular consequence: missense variant. On other transcripts: 5 prime UTR variant (1), non-coding transcript variant (1).
Genome position (GRCh38, 1-based): chr1:170,539,506, A>G. VCF-style: chr1-170539506-A-G. GRCh37 (hg19) VCF-style: chr1-170508647-A-G.
Other names: c.358A>G, p.Asn120Asp (NM_001146039.2); c.-108A>G (NM_001320252.2); c.307A>G, p.Asn103Asp (NM_001410894.1); short protein forms N103D, N120D.
Identifiers: ClinVar variation 1902391 (VCV001902391.3), dbSNP rs1374264302, ClinGen allele CA343162891.

ClinVar aggregate classification (germline): Uncertain significance (1 of 4 stars; one submission).

Allele frequency attached by ClinVar (database versions not stated): TOPMed 0.00002.
gnomAD v4.1: 2 of 1,614,128 alleles (0.00012%); highest among the groups gnomAD compares: Admixed American, 0.0033%; no homozygotes.

Submission:

Labcorp Genetics (formerly Invitae), Labcorp
Classification: Uncertain significance. Last evaluated: 2022-03-20. Review status: criteria provided, single submitter. Criteria: Invitae Variant Classification Sherloc (09022015). Collection method: clinical testing. Allele origin: germline.
Comment: In summary, the available evidence is currently insufficient to determine the role of this variant in disease. Therefore, it has been classified as a Variant of Uncertain Significance. Algorithms developed to predict the effect of missense changes on protein structure and function (SIFT, PolyPhen-2, Align-GVGD) all suggest that this variant is likely to be tolerated. This variant has not been reported in the literature in individuals affected with GORAB-related conditions. This variant is present in population databases (no rsID available, gnomAD 0.003%). This sequence change replaces asparagine, which is neutral and polar, with aspartic acid, which is acidic and polar, at codon 145 of the GORAB protein (p.Asn145Asp).